The following is an entry in ClinVar:

NM_018406.7(MUC4):c.12705A>C (p.Thr4235=)

Genes: MUC4 (mucin 4, cell surface associated), LOC126806930 (BRD4-independent group 4 enhancer GRCh37_chr3:195505212-195506411). Cytogenetic location: 3q29.
Variant type: single nucleotide variant.
Coding change: c.12705A>C on transcript NM_018406.7 (MANE Select); coding-DNA position 12705, A replaced by C.
Protein change: p.Thr4235=; no amino-acid change (threonine 4235 retained).
Molecular consequence: synonymous variant. On other transcripts: genic upstream transcript variant (2).
Genome position (GRCh38, 1-based): chr3:195,778,875, T>G on the plus strand (A>C on the coding strand, the complement: MUC4 is on the minus strand). VCF-style: chr3-195778875-T-G. GRCh37 (hg19) VCF-style: chr3-195505746-T-G.
Other names: c.18723A>C, p.Thr6241= (NM_001322468.1); c.83-4570A>C (NM_138297.5); c.83-420A>C (NM_004532.6).
Identifiers: ClinVar variation 2654377 (VCV002654377.24), dbSNP rs369426870, ClinGen allele CA2768598.

ClinVar aggregate classification (germline): Likely benign (1 of 4 stars; one submission).

Allele frequency attached by ClinVar (database versions not stated): ExAC 0.00509; ESP Exome Variant Server 0.01046.

Submission:

CeGaT Center for Human Genetics Tuebingen
Classification: Likely benign. Last evaluated: 2023-08-01. Review status: criteria provided, single submitter. Criteria: CeGaT Center For Human Genetics Tuebingen Variant Classification Criteria Version 2. Collection method: clinical testing. Allele origin: germline. Affected: yes. Observed: 1 variant allele.
Comment: MUC4: BP4, BP7